The following is an entry in ClinVar:

NM_000368.5(TSC1):c.462C>G (p.Phe154Leu)

Gene: TSC1 (TSC complex subunit 1; minus strand). Cytogenetic location: 9q34.13.
Variant type: single nucleotide variant.
Coding change: c.462C>G on transcript NM_000368.5 (MANE Select); coding-DNA position 462, C replaced by G.
Protein change: p.Phe154Leu; replaces phenylalanine 154 with leucine.
Molecular consequence: missense variant. On other transcripts: 5 prime UTR variant (5), non-coding transcript variant (5).
Genome position (GRCh38, 1-based): chr9:132,923,394, G>C on the plus strand (C>G on the coding strand, the complement: TSC1 is on the minus strand). VCF-style: chr9-132923394-G-C. GRCh37 (hg19) VCF-style: chr9-135798781-G-C.
Other names: c.309C>G, p.Phe103Leu (NM_001406612.1, NM_001406613.1, NM_001162427.2 and 2 more transcripts); c.99C>G, p.Phe33Leu (NM_001406614.1, NM_001406615.1, NM_001406616.1 and 10 more transcripts); c.462C>G, p.Phe154Leu (NM_001162426.2, NM_001406592.1, NM_001406593.1 and 16 more transcripts); c.-416C>G (NM_001406626.1, NM_001406627.1, NM_001406628.1); c.-558C>G (NM_001406629.1); c.-632C>G (NM_001406630.1); short protein forms F103L, F33L, F154L.
Identifiers: ClinVar variation 2755429 (VCV002755429.3), dbSNP rs1214441043, ClinGen allele CA375373306.

ClinVar aggregate classification (germline): Uncertain significance (1 of 4 stars; one submission).

Conditions:
Tuberous sclerosis 1 (TSC1). Identifiers: Orphanet 805, MedGen C1854465, MONDO:0008612, OMIM 191100.

Submission:

Labcorp Genetics (formerly Invitae), Labcorp
Classification: Uncertain significance for Tuberous sclerosis 1. Last evaluated: 2023-08-27. Review status: criteria provided, single submitter. Criteria: Invitae Variant Classification Sherloc (09022015). Collection method: clinical testing. Allele origin: germline.
Comment: In summary, the available evidence is currently insufficient to determine the role of this variant in disease. Therefore, it has been classified as a Variant of Uncertain Significance. Advanced modeling of protein sequence and biophysical properties (such as structural, functional, and spatial information, amino acid conservation, physicochemical variation, residue mobility, and thermodynamic stability) performed at Invitae indicates that this missense variant is not expected to disrupt TSC1 protein function. This variant has not been reported in the literature in individuals affected with TSC1-related conditions. This variant is not present in population databases (gnomAD no frequency). This sequence change replaces phenylalanine, which is neutral and non-polar, with leucine, which is neutral and non-polar, at codon 154 of the TSC1 protein (p.Phe154Leu).